The following is an entry in ClinVar:

NM_014991.6(WDFY3):c.2734T>C (p.Leu912=)

Genes: WDFY3 (WD repeat and FYVE domain containing 3; minus strand), WDFY3-AS1 (WDFY3 antisense RNA 1; plus strand). Cytogenetic location: 4q21.23.
Variant type: single nucleotide variant.
Coding change: c.2734T>C on transcript NM_014991.6 (MANE Select); coding-DNA position 2734, T replaced by C.
Protein change: p.Leu912=; no amino-acid change (leucine 912 retained).
Molecular consequence: synonymous variant.
Genome position (GRCh38, 1-based): chr4:84,801,738, A>G on the plus strand (T>C on the coding strand, the complement: WDFY3 is on the minus strand). VCF-style: chr4-84801738-A-G. GRCh37 (hg19) VCF-style: chr4-85722891-A-G.
Identifiers: ClinVar variation 5041213 (VCV005041213.1).

ClinVar aggregate classification (germline): Likely benign (1 of 4 stars; one submission).

Submission:

CeGaT Center for Human Genetics Tuebingen
Classification: Likely benign. Last evaluated: 2026-09-01. Review status: criteria provided, single submitter. Criteria: CeGaT Center For Human Genetics Tuebingen Variant Classification Criteria Version 2. Collection method: clinical testing. Allele origin: germline. Affected: yes. Observed: 1 variant allele.
Comment: WDFY3: BP4, BP7